The following is an entry in ClinVar:

NM_004320.6(ATP2A1):c.2021G>A (p.Cys674Tyr)

Gene: ATP2A1 (ATPase sarcoplasmic/endoplasmic reticulum Ca2+ transporting 1; plus strand). Cytogenetic location: 16p11.2.
Variant type: single nucleotide variant.
Coding change: c.2021G>A on transcript NM_004320.6 (MANE Select); coding-DNA position 2021, G replaced by A.
Protein change: p.Cys674Tyr; replaces cysteine 674 with tyrosine.
Molecular consequence: missense variant.
Genome position (GRCh38, 1-based): chr16:28,900,837, G>A. VCF-style: chr16-28900837-G-A. GRCh37 (hg19) VCF-style: chr16-28912158-G-A.
Other names: c.2021G>A (NM_173201.3); c.1646G>A, p.Cys549Tyr (NM_001286075.2); c.2021G>A, p.Cys674Tyr (NM_173201.5); short protein forms C549Y, C674Y.
Identifiers: ClinVar variation 2128446 (VCV002128446.4), dbSNP rs959014585, ClinGen allele CA279240442.

ClinVar aggregate classification (germline): Uncertain significance. Review status: criteria provided, multiple submitters, no conflicts (2 of 4 stars). 2 submissions from 2 submitters: Uncertain significance (2). Last evaluated 2025-05-13.

Conditions:
Brody myopathy. Also called: BRODY DISEASE. Identifiers: Orphanet 53347, MedGen C1832918, MONDO:0010977, OMIM 601003.

Allele frequency attached by ClinVar (database versions not stated): gnomAD exomes below 0.00001; TOPMed 0.00002.
gnomAD v4.1: 2 of 1,614,212 alleles (0.00012%); highest among the groups gnomAD compares: East Asian, 0.0045%; no homozygotes.

Submissions (2):

GeneDx
Classification: Uncertain significance. Last evaluated: 2025-05-13. Review status: criteria provided, single submitter. Criteria: GeneDx Variant Classification Process June 2021. Collection method: clinical testing. Allele origin: germline. Affected: yes.
Comment: Not observed at significant frequency in large population cohorts (gnomAD); In silico analysis suggests that this missense variant does not alter protein structure/function; Has not been previously published as pathogenic or benign to our knowledge

Labcorp Genetics (formerly Invitae), Labcorp
Classification: Uncertain significance for Brody myopathy. Last evaluated: 2025-01-24. Review status: criteria provided, single submitter. Criteria: Invitae Variant Classification Sherloc (09022015). Collection method: clinical testing. Allele origin: germline.
Comment: This sequence change replaces cysteine, which is neutral and slightly polar, with tyrosine, which is neutral and polar, at codon 674 of the ATP2A1 protein (p.Cys674Tyr). This variant is not present in population databases (gnomAD no frequency). This variant has not been reported in the literature in individuals affected with ATP2A1-related conditions. ClinVar contains an entry for this variant (Variation ID: 2128446). An algorithm developed to predict the effect of missense changes on protein structure and function (PolyPhen-2) suggests that this variant is likely to be disruptive. In summary, the available evidence is currently insufficient to determine the role of this variant in disease. Therefore, it has been classified as a Variant of Uncertain Significance.